The following is an entry in ClinVar:

ClinVar aggregate classification (germline): Uncertain significance. Review status: criteria provided, multiple submitters, no conflicts (2 of 4 stars). 3 submissions from 3 submitters: Uncertain significance (3). Last evaluated 2025-03-27.

Allele frequency attached by ClinVar (database versions not stated): gnomAD 0.00011 and 0.00012; gnomAD exomes 0.00015 and 0.00008; ExAC 0.00019; TOPMed 0.00005; ESP Exome Variant Server 0.00008.
gnomAD v4.1: 137 of 1,611,136 alleles (0.0085%); highest among the groups gnomAD compares: Non-Finnish European, 0.0066%; no homozygotes.

Submissions (3):

Labcorp Genetics (formerly Invitae), Labcorp
Classification: Uncertain significance. Last evaluated: 2025-03-27. Review status: criteria provided, single submitter. Criteria: Invitae Variant Classification Sherloc (09022015). Collection method: clinical testing. Allele origin: germline.
Comment: This sequence change replaces valine, which is neutral and non-polar, with alanine, which is neutral and non-polar, at codon 165 of the GUF1 protein (p.Val165Ala). This variant is present in population databases (rs374516989, gnomAD 0.08%), and has an allele count higher than expected for a pathogenic variant. This variant has not been reported in the literature in individuals affected with GUF1-related conditions. ClinVar contains an entry for this variant (Variation ID: 1488438). Invitae Evidence Modeling of protein sequence and biophysical properties (such as structural, functional, and spatial information, amino acid conservation, physicochemical variation, residue mobility, and thermodynamic stability) indicates that this missense variant is expected to disrupt GUF1 protein function with a positive predictive value of 80%. In summary, the available evidence is currently insufficient to determine the role of this variant in disease. Therefore, it has been classified as a Variant of Uncertain Significance.

Blueprint Genetics
Classification: Uncertain significance. Last evaluated: 2024-11-22. Review status: criteria provided, single submitter. Criteria: ACMG Guidelines, 2015. Collection method: clinical testing. Allele origin: germline.

CeGaT Center for Human Genetics Tuebingen
Classification: Uncertain significance. Last evaluated: 2022-02-01. Review status: criteria provided, single submitter. Criteria: CeGaT Center For Human Genetics Tuebingen Variant Classification Criteria Version 2. Collection method: clinical testing. Allele origin: germline. Affected: yes. Observed: 1 variant allele.

NM_021927.3(GUF1):c.494T>C (p.Val165Ala)

Gene: GUF1 (GTP binding elongation factor GUF1; plus strand). Cytogenetic location: 4p12.
Variant type: single nucleotide variant.
Coding change: c.494T>C on transcript NM_021927.3 (MANE Select); coding-DNA position 494, T replaced by C.
Protein change: p.Val165Ala; replaces valine 165 with alanine.
Molecular consequence: missense variant. On other transcripts: 5 prime UTR variant (2).
Genome position (GRCh38, 1-based): chr4:44,681,190, T>C. VCF-style: chr4-44681190-T-C. GRCh37 (hg19) VCF-style: chr4-44683207-T-C.
Other names: c.-475T>C (NM_001345867.2); c.494T>C, p.Val165Ala (NM_001345868.2); c.-479T>C (NM_001345869.2); short protein forms V165A.
Identifiers: ClinVar variation 1488438 (VCV001488438.41), dbSNP rs374516989, ClinGen allele CA2905304.
Genomic context (GRCh38, chr4:44,681,190, plus strand): 5'-TTGATTTTAGTTATGAAGTATCCAGGTCACTTTCTGCTTGCCAGGGTGTTTTACTTGTGG[T>C]TGATGCAAATGAGGTAGGTATTTTTCATTTTGTATGATGTGATATGACATGACTATTTGG-3'
Protein context (NP_068746.2, residues 155-175): LSACQGVLLV[Val165Ala]DANEGIQAQT